The following is an entry in ClinVar:

NM_000214.3(JAG1):c.1794C>T (p.Val598=)

Gene: JAG1 (jagged canonical Notch ligand 1; minus strand). Cytogenetic location: 20p12.2.
Variant type: single nucleotide variant.
Coding change: c.1794C>T on transcript NM_000214.3 (MANE Select); coding-DNA position 1794, C replaced by T.
Protein change: p.Val598=; no amino-acid change (valine 598 retained).
Molecular consequence: synonymous variant.
Genome position (GRCh38, 1-based): chr20:10,647,030, G>A on the plus strand (C>T on the coding strand, the complement: JAG1 is on the minus strand). VCF-style: chr20-10647030-G-A. GRCh37 (hg19) VCF-style: chr20-10627678-G-A.
Identifiers: ClinVar variation 1336426 (VCV001336426.11), dbSNP rs200580391, ClinGen allele CA311346533.

ClinVar aggregate classification (germline): Conflicting classifications of pathogenicity. Review status: criteria provided, conflicting classifications (1 of 4 stars). 5 submissions from 5 submitters: Uncertain significance (1); Likely benign (4). Last evaluated 2025-04-02.

Conditions:
JAG1-related disorder. Also called: JAG1-related condition; JAG1-related disorders.
Cardiovascular phenotype. Identifiers: MedGen CN230736.
Alagille syndrome due to a JAG1 point mutation. Also called: HEPATIC DUCTULAR HYPOPLASIA, SYNDROMATIC; Alagille Syndrome 1; JAG1-Related Alagille Syndrome. Identifiers: Orphanet 261619, Orphanet 52, MedGen C1956125, MONDO:0016862, OMIM 118450.

Allele frequency attached by ClinVar (database versions not stated): gnomAD exomes below 0.00001; gnomAD 0.00001; TOPMed 0.00001.

Submissions (5):

PreventionGenetics, part of Exact Sciences
Classification: Likely benign for JAG1-related condition. Last evaluated: 2025-04-02. Review status: criteria provided, single submitter. Criteria: ACMG Guidelines, 2015. Collection method: clinical testing. Allele origin: germline.
Comment: This variant is classified as likely benign based on ACMG/AMP sequence variant interpretation guidelines (Richards et al. 2015 PMID: 25741868, with internal and published modifications).

Ambry Genetics
Classification: Likely benign for Cardiovascular phenotype. Last evaluated: 2024-07-14. Review status: criteria provided, single submitter. Criteria: Ambry Variant Classification Scheme 2023. Collection method: clinical testing. Allele origin: germline.

Blueprint Genetics
Classification: Likely benign. Last evaluated: 2023-05-29. Review status: criteria provided, single submitter. Criteria: ACMG Guidelines, 2015. Collection method: clinical testing. Allele origin: germline.

Labcorp Genetics (formerly Invitae), Labcorp
Classification: Likely benign for Alagille syndrome due to a JAG1 point mutation. Last evaluated: 2022-08-31. Review status: criteria provided, single submitter. Criteria: Invitae Variant Classification Sherloc (09022015). Collection method: clinical testing. Allele origin: germline.

Genetic Services Laboratory, University of Chicago
Classification: Uncertain significance. Last evaluated: 2017-12-07. Review status: criteria provided, single submitter. Criteria: ACMG Guidelines, 2015. Collection method: clinical testing. Allele origin: germline. Affected: no.